The following is an entry in ClinVar:

NM_000051.4(ATM):c.8152-10T>C

Genes: ATM (ATM serine/threonine kinase; plus strand), C11orf65 (chromosome 11 open reading frame 65; minus strand). Cytogenetic location: 11q22.3.
Variant type: single nucleotide variant.
Coding change: c.8152-10T>C on transcript NM_000051.4 (MANE Select); 10 bases into the intron before coding-DNA position 8152, T replaced by C.
Molecular consequence: intron variant.
Genome position (GRCh38, 1-based): chr11:108,335,835, T>C. VCF-style: chr11-108335835-T-C. GRCh37 (hg19) VCF-style: chr11-108206562-T-C.
Other names: c.8152-10T>C (NM_001351834.2); c.641-26764A>G (NM_001330368.2); c.695-543A>G (NM_001351110.2).
Identifiers: ClinVar variation 3254204 (VCV003254204.1), dbSNP rs2547344586.

ClinVar aggregate classification (germline): Likely benign (1 of 4 stars; one submission).

Conditions:
Familial cancer of breast. Also called: hereditary breast carcinoma; BREAST CANCER, FAMILIAL; Hereditary breast cancer. Identifiers: Orphanet 227535, MedGen C0346153, MONDO:0016419, OMIM 114480. Disease mechanism: loss of function.

Submission:

Myriad Genetics, Inc.
Classification: Likely benign for Familial cancer of breast. Last evaluated: 2024-06-18. Review status: criteria provided, single submitter. Criteria: Myriad Autosomal Dominant, Autosomal Recessive and X-Linked Classification Criteria (2023). Collection method: clinical testing. Allele origin: unknown.
Comment: This variant is considered likely benign. This variant is intronic and is not expected to impact mRNA splicing.